The following is an entry in ClinVar:

ClinVar aggregate classification (germline): Likely benign. Review status: reviewed by expert panel (3 of 4 stars). 4 submissions from 4 submitters: Likely benign (1). 3 of the submissions do not count toward it. Last evaluated 2022-07-05.

Conditions:
Hereditary thrombocytopenia and hematologic cancer predisposition syndrome. Identifiers: Orphanet 71290, MedGen CN281654, MONDO:0011071.
Hereditary thrombocytopenia and hematological cancer predisposition syndrome associated with RUNX1. Also called: Familial Platelet Disorder with Propensity to Acute Myelogenous Leukemia; Familial thrombocytopenia with propensity to acute myelogenous leukemia; PLATELET DISORDER, ASPIRIN-LIKE; RUNX1 Familial Platelet Disorder with Associated Myeloid Malignancies. Identifiers: Orphanet 71290, MedGen C1832388, MeSH C563324, MONDO:0100083, OMIM 601399.
Inborn genetic diseases. Identifiers: MedGen C0950123, MeSH D030342.

Allele frequency attached by ClinVar (database versions not stated): gnomAD exomes 0.00001; TOPMed 0.00001; gnomAD 0.00002.
gnomAD v4.1: 22 of 1,535,974 alleles (0.0014%); highest among the groups gnomAD compares: African/African-American, 0.0028%; no homozygotes.

Submissions (4):

ClinGen Myeloid Malignancy Variant Curation Expert Panel
Classification: Likely benign for Hereditary thrombocytopenia and hematologic cancer predisposition syndrome. Last evaluated: 2022-07-05. Review status: reviewed by expert panel. Criteria: ClinGen MyeloMalig ACMG Specifications v2. Collection method: curation. Allele origin: germline. Inheritance: Autosomal dominant inheritance.
Comment: The c.1275G>A (p.Pro425=) variant is a synonymous (silent) variant that is not predicted by SpliceAI to impact splicing (BP4); in addition, an evolutionary conservation algorithm predicts the site as being non-conserved (PhyloP score = -1.62676 in GRCh38), and the variant allele is the reference nucleotide in one primate and/or three mammal species (BP7). The variant also has not been reported in cases or the literature. In summary, this variant meets the criteria to be classified as likely benign for hereditary thrombocytopenia and hematologic cancer predisposition syndrome based on the ACMG/AMP criteria applied, as specified by the ClinGen Myeloid Malignancy VCEP: BP4 and BP7.

Ambry Genetics
Classification: Likely benign for Inborn genetic diseases. Last evaluated: 2024-10-02. Review status: criteria provided, single submitter. Criteria: Ambry Variant Classification Scheme 2023. Collection method: clinical testing. Allele origin: germline. Not counted in ClinVar's aggregate classification.

Labcorp Genetics (formerly Invitae), Labcorp
Classification: Likely benign for Hereditary thrombocytopenia and hematological cancer predisposition syndrome associated with RUNX1. Last evaluated: 2023-10-10. Review status: criteria provided, single submitter. Criteria: Invitae Variant Classification Sherloc (09022015). Collection method: clinical testing. Allele origin: germline. Not counted in ClinVar's aggregate classification.

PreventionGenetics, part of Exact Sciences
Classification: Likely benign. Review status: criteria provided, single submitter. Criteria: ACMG Guidelines, 2015. Collection method: clinical testing. Allele origin: germline. Not counted in ClinVar's aggregate classification.

NM_001754.5(RUNX1):c.1275G>A (p.Pro425=)

Gene: RUNX1 (RUNX family transcription factor 1; minus strand). Cytogenetic location: 21q22.12.
Variant type: single nucleotide variant.
Coding change: c.1275G>A on transcript NM_001754.5 (MANE Select); coding-DNA position 1275, G replaced by A.
Protein change: p.Pro425=; no amino-acid change (proline 425 retained).
Molecular consequence: synonymous variant.
Genome position (GRCh38, 1-based): chr21:34,792,303, C>T on the plus strand (G>A on the coding strand, the complement: RUNX1 is on the minus strand). VCF-style: chr21-34792303-C-T. GRCh37 (hg19) VCF-style: chr21-36164600-C-T.
Other names: NM_001754.5(RUNX1):c.1275G>A; p.Pro425=; c.1194G>A, p.Pro398= (NM_001001890.3).
Identifiers: ClinVar variation 258183 (VCV000258183.14), dbSNP rs886038488, ClinGen allele CA10587358.